The following is an entry in ClinVar:

ClinVar aggregate classification (germline): Pathogenic (1 of 4 stars; one submission).

Conditions:
Marfan syndrome (MFS). Also called: Marfan syndrome type 1; Marfan's syndrome; FBN1-Related Marfan Syndrome; MARFAN SYNDROME, TYPE I; Marfan syndrome, classic. Identifiers: Orphanet 284963, Orphanet 558, MedGen C0024796, MONDO:0007947, OMIM 154700.

Submission:

Centre of Medical Genetics, University of Antwerp
Classification: Pathogenic for Marfan syndrome. Last evaluated: 2021-03-01. Review status: criteria provided, single submitter. Criteria: Submitter's publication. Collection method: research. Allele origin: unknown. Affected: yes.
Comment: PM2, PVS1, PP4

GRCh37/hg19 15q21.1(chr15:48707733-48758055)

Gene: FBN1 (fibrillin 1; minus strand). Cytogenetic location: 15q21.1.
Variant type: copy number loss.
Identifiers: ClinVar variation 1325464 (VCV001325464.2).